The following is an entry in ClinVar:

ClinVar aggregate classification (germline): Conflicting classifications of pathogenicity. Review status: criteria provided, conflicting classifications (1 of 4 stars). 8 submissions from 7 submitters: Uncertain significance (3); Likely benign (4). 1 of the submissions does not count toward it. Last evaluated 2026-02-02.

Conditions:
Inborn genetic diseases. Identifiers: MedGen C0950123, MeSH D030342.
Autosomal recessive nonsyndromic hearing loss 4 (DFNB4). Also called: Enlarged vestibular aqueduct, digenic; FOXI1-Related Pendred Syndrome; KCNJ10-Related Pendred Syndrome; DEAFNESS, AUTOSOMAL RECESSIVE 4, WITH ENLARGED VESTIBULAR AQUEDUCT, DIGENIC; Deafness, autosomal recessive 4; Nonsyndromic enlarged vestibular aqueduct (NSEVA). Identifiers: Orphanet 90636, MedGen C3538946, MONDO:0010933, OMIM 600791.
Pendred syndrome (PDS). Also called: DEAFNESS WITH GOITER; GOITER-DEAFNESS SYNDROME; Pendred Syndrome (PDS); HYPOTHYROIDISM, CONGENITAL, DUE TO DYSHORMONOGENESIS, 2B; THYROID DYSHORMONOGENESIS 2B; THYROID HORMONOGENESIS, GENETIC DEFECT IN, 2B. Identifiers: Orphanet 705, MedGen C0271829, MONDO:0010134, OMIM 274600.

Allele frequency attached by ClinVar (database versions not stated): gnomAD exomes 0.00002 and 0.00011; TOPMed 0.00007; ExAC 0.00009; gnomAD 0.00013; 1000 Genomes Project 30x 0.00016; 1000 Genomes Project 0.00020.
gnomAD v4.1: 47 of 1,612,964 alleles (0.0029%); highest among the groups gnomAD compares: East Asian, 0.1%; no homozygotes.

Submissions (8):

Labcorp Genetics (formerly Invitae), Labcorp
Classification: Likely benign. Last evaluated: 2026-02-02. Review status: criteria provided, single submitter. Criteria: Invitae Variant Classification Sherloc (09022015). Collection method: clinical testing. Allele origin: germline.

Ambry Genetics
Classification: Likely benign for Inborn genetic diseases. Last evaluated: 2023-11-17. Review status: criteria provided, single submitter. Criteria: Ambry Variant Classification Scheme 2023. Collection method: clinical testing. Allele origin: germline.

Women's Health and Genetics/Laboratory Corporation of America, LabCorp
Classification: Likely benign. Last evaluated: 2021-10-08. Review status: criteria provided, single submitter. Criteria: LabCorp Variant Classification Summary - May 2015. Collection method: clinical testing. Allele origin: germline.
Comment: Variant summary: SLC26A4 c.1905G>A alters a non-conserved nucleotide resulting in a synonymous change. 4/4 computational tools predict no significant impact on normal splicing. However, these predictions have yet to be confirmed by functional studies. The variant allele was found at a frequency of 0.00011 in 251196 control chromosomes, predominantly at a frequency of 0.0015 within the East Asian subpopulation in the gnomAD database. This frequency is not significantly higher than expected for a pathogenic variant in SLC26A4 causing Pendred Syndrome (0.00011 vs 0.0035), allowing no conclusion about variant significance. c.1905G>A has been reported in the literature in individuals affected with enlarged vestibular aqueduct/hearing loss without strong evidence for causality (Dai_2008, Yuan_2009, Li_2014, Yuan_2012). These reports do not provide unequivocal conclusions about association of the variant with Pendred Syndrome. To our knowledge, no experimental evidence demonstrating an impact on protein function has been reported. Three clinical diagnostic laboratories have submitted clinical-significance assessments for this variant to ClinVar after 2014 without evidence for independent evaluation. One lab classified the variant as likely benign while two classified the variant as VUS. Based on the evidence outlined above, the variant was classified as likely benign.

Genome-Nilou Lab
Classification: Uncertain significance for Autosomal recessive nonsyndromic hearing loss 4. Last evaluated: 2021-09-05. Review status: criteria provided, single submitter. Criteria: ACMG Guidelines, 2015. Collection method: clinical testing. Allele origin: germline. Affected: no.

Genome-Nilou Lab
Classification: Uncertain significance for Pendred syndrome. Last evaluated: 2021-09-05. Review status: criteria provided, single submitter. Criteria: ACMG Guidelines, 2015. Collection method: clinical testing. Allele origin: germline. Affected: no.

GeneDx
Classification: Likely benign. Last evaluated: 2021-05-11. Review status: criteria provided, single submitter. Criteria: GeneDx Variant Classification Process June 2021. Collection method: clinical testing. Allele origin: germline. Affected: yes.
Comment: See Variant Classification Assertion Criteria.

Eurofins Ntd Llc (ga)
Classification: Uncertain significance. Last evaluated: 2017-07-21. Review status: criteria provided, single submitter. Criteria: EGL Classification Definitions 2015. Collection method: clinical testing. Allele origin: germline. Observed: 1 variant allele, 1 heterozygote.

Counsyl
Classification: Uncertain significance for Pendred syndrome. Last evaluated: 2017-03-21. Review status: no assertion criteria provided. Collection method: clinical testing. Allele origin: unknown. Not counted in ClinVar's aggregate classification.

Literature cited by the submitters: PubMed 17443271 (cited by Women's Health and Genetics/Laboratory Corporation of America, LabCorp and Counsyl); PubMed 19744334 (cited by Women's Health and Genetics/Laboratory Corporation of America, LabCorp and Counsyl); PubMed 25266519 (cited by Women's Health and Genetics/Laboratory Corporation of America, LabCorp and Counsyl); PubMed 19040761 (cited by Women's Health and Genetics/Laboratory Corporation of America, LabCorp); PubMed 23185506 (cited by Women's Health and Genetics/Laboratory Corporation of America, LabCorp and Counsyl).

NM_000441.2(SLC26A4):c.1905G>A (p.Glu635=)

Gene: SLC26A4 (solute carrier family 26 member 4; plus strand). Cytogenetic location: 7q22.3.
Variant type: single nucleotide variant.
Coding change: c.1905G>A on transcript NM_000441.2 (MANE Select); coding-DNA position 1905, G replaced by A.
Protein change: p.Glu635=; no amino-acid change (glutamic acid 635 retained).
Molecular consequence: synonymous variant.
Genome position (GRCh38, 1-based): chr7:107,701,928, G>A. VCF-style: chr7-107701928-G-A. GRCh37 (hg19) VCF-style: chr7-107342373-G-A.
Identifiers: ClinVar variation 551205 (VCV000551205.23), dbSNP rs541538556, ClinGen allele CA4432980.